The following is an entry in ClinVar:

NM_000551.4(VHL):c.30G>A (p.Glu10=)

Gene: VHL (von Hippel-Lindau tumor suppressor; plus strand). Cytogenetic location: 3p25.3.
Variant type: single nucleotide variant.
Coding change: c.30G>A on transcript NM_000551.4 (MANE Select); coding-DNA position 30, G replaced by A.
Protein change: p.Glu10=; no amino-acid change (glutamic acid 10 retained).
Molecular consequence: synonymous variant.
Genome position (GRCh38, 1-based): chr3:10,141,877, G>A. VCF-style: chr3-10141877-G-A. GRCh37 (hg19) VCF-style: chr3-10183561-G-A.
Other names: c.30G>A, p.Glu10= (NM_001354723.2, NM_198156.3).
Identifiers: ClinVar variation 752407 (VCV000752407.11), dbSNP rs963501454, ClinGen allele CA432536155.

ClinVar aggregate classification (germline): Benign/Likely benign. Review status: criteria provided, multiple submitters, no conflicts (2 of 4 stars). 3 submissions from 3 submitters: Benign (1); Likely benign (2). Last evaluated 2025-06-10.

Conditions:
Chuvash polycythemia. Also called: POLYCYTHEMIA, VHL-DEPENDENT. Identifiers: Orphanet 238557, MedGen C1837915, MONDO:0009892, OMIM 263400.
Von Hippel-Lindau syndrome (VHLS). Also called: VHL syndrome; Von Hippel-Lindau; von Hippel–Lindau syndrome. Identifiers: Orphanet 892, MedGen C0019562, MONDO:0008667, OMIM 193300. Disease mechanism: loss of function.
Hereditary cancer-predisposing syndrome. Also called: Tumor predisposition; Hereditary Cancer Syndrome; Neoplastic Syndromes, Hereditary; Hereditary neoplastic syndrome. Identifiers: Orphanet 140162, MedGen C0027672, MeSH D009386, MONDO:0015356.

Submissions (3):

Myriad Genetics, Inc.
Classification: Benign for Von Hippel-Lindau syndrome. Last evaluated: 2025-06-10. Review status: criteria provided, single submitter. Criteria: Myriad Autosomal Dominant, Autosomal Recessive and X-Linked Classification Criteria (2023). Collection method: clinical testing. Allele origin: unknown.
Comment: This variant is considered benign. This variant is a silent/synonymous amino acid change and it is not expected to impact splicing.

Labcorp Genetics (formerly Invitae), Labcorp
Classification: Likely benign for Von Hippel-Lindau syndrome; Chuvash polycythemia. Last evaluated: 2023-11-14. Review status: criteria provided, single submitter. Criteria: Invitae Variant Classification Sherloc (09022015). Collection method: clinical testing. Allele origin: germline.

Ambry Genetics
Classification: Likely benign for Hereditary cancer-predisposing syndrome. Last evaluated: 2020-06-05. Review status: criteria provided, single submitter. Criteria: Ambry Variant Classification Scheme 2023. Collection method: clinical testing. Allele origin: germline.